The following is an entry in ClinVar:

ClinVar aggregate classification (germline): Benign/Likely benign. Review status: criteria provided, multiple submitters, no conflicts (2 of 4 stars). 3 submissions from 3 submitters: Benign (1); Likely benign (2). Last evaluated 2026-02-02.

Conditions:
Retinitis pigmentosa (RP). Identifiers: Orphanet 791, MedGen C0035334, MeSH D012174, MONDO:0019200, OMIM 268000. Inheritance: Autosomal dominant, autosomal recessive and X linked inheritance.

Allele frequency attached by ClinVar (database versions not stated): gnomAD exomes 0.00276; ExAC 0.00350; 1000 Genomes Project 0.00998; 1000 Genomes Project 30x 0.01031; gnomAD 0.01064 and 0.01149; TOPMed 0.01229; ESP Exome Variant Server 0.01361.

Submissions (3):

Labcorp Genetics (formerly Invitae), Labcorp
Classification: Benign. Last evaluated: 2026-02-02. Review status: criteria provided, single submitter. Criteria: Invitae Variant Classification Sherloc (09022015). Collection method: clinical testing. Allele origin: germline.

Illumina Laboratory Services, Illumina
Classification: Likely benign for Retinitis pigmentosa. Last evaluated: 2018-01-12. Review status: criteria provided, single submitter. Criteria: ICSL Variant Classification Criteria 13 December 2019. Collection method: clinical testing. Allele origin: germline.
Comment: This variant was observed in the ICSL laboratory as part of a predisposition screen in an ostensibly healthy population. It had not been previously curated by ICSL or reported in the Human Gene Mutation Database (HGMD: prior to June 1st, 2018), and was therefore a candidate for classification through an automated scoring system. Utilizing variant allele frequency, disease prevalence and penetrance estimates, and inheritance mode, an automated score was calculated to assess if this variant is too frequent to cause the disease. Based on the score and internal cut-off values, a variant classified as likely benign is not then subjected to further curation. The score for this variant resulted in a classification of likely benign for this disease.

Breakthrough Genomics
Classification: Likely benign. Review status: criteria provided, single submitter. Criteria: ACMG Guidelines, 2015. Collection method: not provided. Allele origin: germline. Inheritance: Autosomal recessive inheritance. Affected: yes.

NM_144631.6(ZNF513):c.694C>T (p.Pro232Ser)

Gene: ZNF513 (zinc finger protein 513; minus strand). Cytogenetic location: 2p23.3.
Variant type: single nucleotide variant.
Coding change: c.694C>T on transcript NM_144631.6 (MANE Select); coding-DNA position 694, C replaced by T.
Protein change: p.Pro232Ser; replaces proline 232 with serine.
Molecular consequence: missense variant.
Genome position (GRCh38, 1-based): chr2:27,378,572, G>A on the plus strand (C>T on the coding strand, the complement: ZNF513 is on the minus strand). VCF-style: chr2-27378572-G-A. GRCh37 (hg19) VCF-style: chr2-27601439-G-A.
Other names: c.508C>T, p.Pro170Ser (NM_001201459.2); short protein forms P232S, P170S.
Identifiers: ClinVar variation 775708 (VCV000775708.15), dbSNP rs116121798, ClinGen allele CA1577997.